The following is an entry in ClinVar:

NM_000388.4(CASR):c.2951A>T (p.Lys984Met)

Gene: CASR (calcium sensing receptor; plus strand). Cytogenetic location: 3q21.1.
Variant type: single nucleotide variant.
Coding change: c.2951A>T on transcript NM_000388.4 (MANE Select); coding-DNA position 2951, A replaced by T.
Protein change: p.Lys984Met; replaces lysine 984 with methionine.
Molecular consequence: missense variant.
Genome position (GRCh38, 1-based): chr3:122,284,905, A>T. VCF-style: chr3-122284905-A-T. GRCh37 (hg19) VCF-style: chr3-122003752-A-T.
Other names: c.2981A>T, p.Lys994Met (NM_001178065.2); short protein forms K994M, K984M.
Identifiers: ClinVar variation 2451445 (VCV002451445.2), dbSNP rs1553769261, ClinGen allele CA354161130.

ClinVar aggregate classification (germline): Uncertain significance (1 of 4 stars; one submission).

Conditions:
Nephrolithiasis/nephrocalcinosis. Identifiers: MedGen CN580796.

Submission:

Ambry Genetics
Classification: Uncertain significance for Nephrolithiasis/nephrocalcinosis. Last evaluated: 2022-11-18. Review status: criteria provided, single submitter. Criteria: Ambry Variant Classification Scheme 2023. Collection method: clinical testing. Allele origin: germline.
Comment: The p.K984M variant (also known as c.2951A>T), located in coding exon 6 of the CASR gene, results from an A to T substitution at nucleotide position 2951. The lysine at codon 984 is replaced by methionine, an amino acid with similar properties. This amino acid position is conserved. In addition, the in silico prediction for this alteration is inconclusive. Since supporting evidence is limited at this time, the clinical significance of this alteration remains unclear.